The following is an entry in ClinVar:

NM_000069.3(CACNA1S):c.3962C>A (p.Thr1321Lys)

Gene: CACNA1S (calcium voltage-gated channel subunit alpha1 S; minus strand). Cytogenetic location: 1q32.1.
Variant type: single nucleotide variant.
Coding change: c.3962C>A on transcript NM_000069.3 (MANE Select); coding-DNA position 3962, C replaced by A.
Protein change: p.Thr1321Lys; replaces threonine 1321 with lysine.
Molecular consequence: missense variant.
Genome position (GRCh38, 1-based): chr1:201,051,135, G>T on the plus strand (C>A on the coding strand, the complement: CACNA1S is on the minus strand). VCF-style: chr1-201051135-G-T. GRCh37 (hg19) VCF-style: chr1-201020263-G-T.
Other names: c.3962C>A (NM_000069.2); short protein forms T1321K.
Identifiers: ClinVar variation 2041237 (VCV002041237.6), dbSNP rs775654393, ClinGen allele CA082998.

ClinVar aggregate classification (germline): Uncertain significance. Review status: criteria provided, multiple submitters, no conflicts (2 of 4 stars). 3 submissions from 3 submitters: Uncertain significance (3). Last evaluated 2025-09-11.

Conditions:
Hypokalemic periodic paralysis, type 1. Also called: Hypokalemic Periodic Paralysis Type 1 (AD); HypoPP. Identifiers: Orphanet 681, MedGen C3714580, MONDO:0042979, OMIM 170400.
Malignant hyperthermia, susceptibility to, 5 (MHS5). Also called: CACNA1S-Related Malignant Hyperthermia Susceptibility. Identifiers: Orphanet 423, MedGen C1866077, MONDO:0011163, OMIM 601887.
Inborn genetic diseases. Identifiers: MedGen C0950123, MeSH D030342.

Allele frequency attached by ClinVar (database versions not stated): gnomAD 0.00001; ExAC 0.00002; TOPMed 0.00002.
gnomAD v4.1: 9 of 1,614,086 alleles (0.00056%); highest among the groups gnomAD compares: Admixed American, 0.005%; no homozygotes.

Submissions (3):

Ambry Genetics
Classification: Uncertain significance for Inborn genetic diseases. Last evaluated: 2025-09-11. Review status: criteria provided, single submitter. Criteria: Ambry Variant Classification Scheme 2023. Collection method: clinical testing. Allele origin: germline.

Labcorp Genetics (formerly Invitae), Labcorp
Classification: Uncertain significance for Hypokalemic periodic paralysis, type 1; Malignant hyperthermia, susceptibility to, 5. Last evaluated: 2025-03-29. Review status: criteria provided, single submitter. Criteria: Invitae Variant Classification Sherloc (09022015). Collection method: clinical testing. Allele origin: germline.
Comment: This sequence change replaces threonine, which is neutral and polar, with lysine, which is basic and polar, at codon 1321 of the CACNA1S protein (p.Thr1321Lys). This variant is present in population databases (rs775654393, gnomAD 0.006%). This variant has not been reported in the literature in individuals affected with CACNA1S-related conditions. ClinVar contains an entry for this variant (Variation ID: 2041237). Invitae Evidence Modeling of protein sequence and biophysical properties (such as structural, functional, and spatial information, amino acid conservation, physicochemical variation, residue mobility, and thermodynamic stability) has been performed for this missense variant. However, the output from this modeling did not meet the statistical confidence thresholds required to predict the impact of this variant on CACNA1S protein function. In summary, the available evidence is currently insufficient to determine the role of this variant in disease. Therefore, it has been classified as a Variant of Uncertain Significance.

GeneDx
Classification: Uncertain significance. Last evaluated: 2023-05-02. Review status: criteria provided, single submitter. Criteria: GeneDx Variant Classification Process June 2021. Collection method: clinical testing. Allele origin: germline. Affected: yes.
Comment: In silico analysis supports that this missense variant has a deleterious effect on protein structure/function; Has not been previously published as pathogenic or benign to our knowledge